The following is an entry in ClinVar:

ClinVar aggregate classification (germline): Uncertain significance (1 of 4 stars; one submission).

Conditions:
LRP5-related disorder. Also called: LRP5-related condition.

Submission:

PreventionGenetics, part of Exact Sciences
Classification: Uncertain significance for LRP5-related condition. Last evaluated: 2023-07-18. Review status: criteria provided, single submitter. Criteria: ACMG Guidelines, 2015. Collection method: clinical testing. Allele origin: germline.
Comment: The LRP5 c.1373T>C variant is predicted to result in the amino acid substitution p.Leu458Pro. To our knowledge, this variant has not been reported in the literature or in a large population database, indicating this variant is rare. Although we suspect that this variant may be pathogenic, at this time, the clinical significance of this variant is uncertain due to the absence of conclusive functional and genetic evidence.

NM_002335.4(LRP5):c.1373T>C (p.Leu458Pro)

Gene: LRP5 (LDL receptor related protein 5; plus strand). Cytogenetic location: 11q13.2.
Variant type: single nucleotide variant.
Coding change: c.1373T>C on transcript NM_002335.4 (MANE Select); coding-DNA position 1373, T replaced by C.
Protein change: p.Leu458Pro; replaces leucine 458 with proline.
Molecular consequence: missense variant. On other transcripts: 5 prime UTR variant (1).
Genome position (GRCh38, 1-based): chr11:68,386,673, T>C. VCF-style: chr11-68386673-T-C. GRCh37 (hg19) VCF-style: chr11-68154141-T-C.
Other names: c.-393T>C (NM_001291902.2); short protein forms L458P.
Identifiers: ClinVar variation 2632733 (VCV002632733.1), dbSNP rs2496600391, ClinGen allele CA381612807.